The following is an entry in ClinVar:

ClinVar aggregate classification (germline): Uncertain significance (1 of 4 stars; one submission).

Conditions:
Cardiomyopathy (CMYO). Also called: Cardiomyopathies. Identifiers: Orphanet 167848, MedGen C0878544, MONDO:0004994, HP:0001638. Inheritance: Various modes of inheritance.

gnomAD v4.1: 7 of 1,614,038 alleles (0.00043%); highest among the groups gnomAD compares: South Asian, 0.0055%; no homozygotes.

Submission:

Color Diagnostics, LLC DBA Color Health
Classification: Uncertain significance for Cardiomyopathy. Last evaluated: 2023-12-04. Review status: criteria provided, single submitter. Criteria: ACMG Guidelines, 2015. Collection method: clinical testing. Allele origin: germline.
Comment: This missense variant replaces arginine with glycine at codon 892 of the DSP protein. Computational prediction tools and conservation analyses are inconclusive regarding the impact of this variant on protein structure and function. Splice site prediction tools suggest that this variant may not impact RNA splicing. To our knowledge, functional studies have not been performed for this variant. This variant has not been reported in individuals affected with cardiovascular disorders in the literature. This variant has not been identified in the general population by the Genome Aggregation Database (gnomAD). The available evidence is insufficient to determine the role of this variant in disease conclusively. Therefore, this variant is classified as a Variant of Uncertain Significance.

NM_004415.4(DSP):c.2674C>G (p.Arg892Gly)

Gene: DSP (desmoplakin; plus strand). Cytogenetic location: 6p24.3.
Variant type: single nucleotide variant.
Coding change: c.2674C>G on transcript NM_004415.4 (MANE Select); coding-DNA position 2674, C replaced by G.
Protein change: p.Arg892Gly; replaces arginine 892 with glycine.
Molecular consequence: missense variant.
Genome position (GRCh38, 1-based): chr6:7,576,337, C>G. VCF-style: chr6-7576337-C-G. GRCh37 (hg19) VCF-style: chr6-7576570-C-G.
Other names: c.2674C>G, p.Arg892Gly (NM_001008844.3, NM_001319034.2); short protein forms R892G.
Identifiers: ClinVar variation 926756 (VCV000926756.5), dbSNP rs750800025, ClinGen allele CA362681882.